The following is an entry in ClinVar:

ClinVar aggregate classification (germline): Likely benign (1 of 4 stars; one submission).

Submission:

CeGaT Center for Human Genetics Tuebingen
Classification: Likely benign. Last evaluated: 2025-07-01. Review status: criteria provided, single submitter. Criteria: CeGaT Center For Human Genetics Tuebingen Variant Classification Criteria Version 2. Collection method: clinical testing. Allele origin: germline. Affected: yes. Observed: 1 variant allele.
Comment: PRB3: BP4, BP7

NM_001394862.1(PRB3):c.414G>A (p.Pro138=)

Gene: PRB3 (proline rich protein BstNI subfamily 3; minus strand). Cytogenetic location: 12p13.2.
Variant type: single nucleotide variant.
Coding change: c.414G>A on transcript NM_001394862.1 (MANE Select); coding-DNA position 414, G replaced by A.
Protein change: p.Pro138=; no amino-acid change (proline 138 retained).
Molecular consequence: synonymous variant.
Genome position (GRCh38, 1-based): chr12:11,267,835, C>T on the plus strand (G>A on the coding strand, the complement: PRB3 is on the minus strand). VCF-style: chr12-11267835-C-T. GRCh37 (hg19) VCF-style: chr12-11420769-C-T.
Other names: c.414G>A, p.Pro138= (NM_006249.5).
Identifiers: ClinVar variation 4083774 (VCV004083774.8).